The following is an entry in ClinVar:

NM_203446.3(SYNJ1):c.211G>C (p.Gly71Arg)

Gene: SYNJ1 (synaptojanin 1; minus strand). Cytogenetic location: 21q22.11.
Variant type: single nucleotide variant.
Coding change: c.211G>C on transcript NM_203446.3 (MANE Select); coding-DNA position 211, G replaced by C.
Protein change: p.Gly71Arg; replaces glycine 71 with arginine.
Molecular consequence: missense variant.
Genome position (GRCh38, 1-based): chr21:32,701,961, C>G on the plus strand (G>C on the coding strand, the complement: SYNJ1 is on the minus strand). VCF-style: chr21-32701961-C-G. GRCh37 (hg19) VCF-style: chr21-34074271-C-G.
Other names: c.211G>C, p.Gly71Arg (NM_001160302.2, NM_001160306.2); c.328G>C, p.Gly110Arg (NM_003895.4); short protein forms G110R, G71R.
Identifiers: ClinVar variation 565896 (VCV000565896.6), dbSNP rs1569113660, ClinGen allele CA410102343.
Genomic context (GRCh38, chr21:32,701,961, plus strand): 5'-CCTTAGAATTACAAAATAGAAATGAAAAAATGGATGAATTCTACTGAATGATAAACTTAC[C>G]AAGATTTAACCGCAGAACACCTAAGAGTCCATATGCATCCAGTACTTTGGAGTATGTACC-3'
Protein context (NP_982271.3, residues 61-81): GLLGVLRLNL[Gly71Arg]DTMLHYLVLV

ClinVar aggregate classification (germline): Uncertain significance (1 of 4 stars; one submission).

Conditions:
Early-onset Parkinson disease 20. Also called: PARKINSON DISEASE 20, AUTOSOMAL RECESSIVE EARLY-ONSET. Identifiers: Orphanet 391411, MedGen C3809824, MONDO:0014233, OMIM 615530.
Developmental and epileptic encephalopathy, 53. Also called: Epileptic encephalopathy, early infantile, 53. Identifiers: MedGen C4479313, MONDO:0033362, OMIM 617389.

Allele frequency attached by ClinVar (database versions not stated): gnomAD 0.00001.
gnomAD v4.1: 4 of 1,527,194 alleles (0.00026%); highest among the groups gnomAD compares: African/African-American, 0.0041%; no homozygotes.

Submission:

Labcorp Genetics (formerly Invitae), Labcorp
Classification: Uncertain significance for Developmental and epileptic encephalopathy, 53; Early-onset Parkinson disease 20. Last evaluated: 2022-10-18. Review status: criteria provided, single submitter. Criteria: Invitae Variant Classification Sherloc (09022015). Collection method: clinical testing. Allele origin: germline.
Comment: In summary, the available evidence is currently insufficient to determine the role of this variant in disease. Therefore, it has been classified as a Variant of Uncertain Significance. Variants that disrupt the consensus splice site are a relatively common cause of aberrant splicing (PMID: 17576681, 9536098). Algorithms developed to predict the effect of missense changes on protein structure and function are either unavailable or do not agree on the potential impact of this missense change (SIFT: "Deleterious"; PolyPhen-2: "Probably Damaging"; Align-GVGD: "Class C0"). ClinVar contains an entry for this variant (Variation ID: 565896). This variant has not been reported in the literature in individuals affected with SYNJ1-related conditions. This variant is not present in population databases (gnomAD no frequency). This sequence change replaces glycine, which is neutral and non-polar, with arginine, which is basic and polar, at codon 110 of the SYNJ1 protein (p.Gly110Arg). This variant also falls at the last nucleotide of exon 3, which is part of the consensus splice site for this exon.

Literature cited by the submitters: PubMed 17576681; PubMed 9536098.